The following is an entry in ClinVar:

NM_000702.4(ATP1A2):c.2943-1G>C

Gene: ATP1A2 (ATPase Na+/K+ transporting subunit alpha 2; plus strand). Cytogenetic location: 1q23.2.
Variant type: single nucleotide variant.
Coding change: c.2943-1G>C on transcript NM_000702.4 (MANE Select); the canonical splice acceptor site of the intron before coding-DNA position 2943, G replaced by C.
Molecular consequence: splice acceptor variant.
Genome position (GRCh38, 1-based): chr1:160,139,892, G>C. VCF-style: chr1-160139892-G-C. GRCh37 (hg19) VCF-style: chr1-160109682-G-C.
Identifiers: ClinVar variation 4991120 (VCV004991120.1).
Genomic context (GRCh38, chr1:160,139,892, plus strand): 5'-TTATGTGACAGCCACCAAGCCAACCTCTGATGCTGCTGACACTCTCCTCCATTGCTTTCA[G>C]AGTCACCTGGTGGTTCTGCGCCTTCCCCTACAGCCTCCTCATCTTCATCTATGATGAGGT-3'

ClinVar aggregate classification (germline): Likely pathogenic (1 of 4 stars; one submission).

Conditions:
ATP1A2-related disorder. Also called: ATP1A2-related condition; ATP1A2-RELATED DISORDERS.

Submission:

PreventionGenetics, part of Exact Sciences
Classification: Likely pathogenic for ATP1A2-related condition. Last evaluated: 2026-06-16. Review status: criteria provided, single submitter. Criteria: ACMG Guidelines, 2015. Collection method: clinical testing. Allele origin: germline.
Comment: The ATP1A2 c.2943-1G>C variant is predicted to disrupt the AG splice acceptor site and interfere with normal splicing. To our knowledge, this variant has not been reported in the literature or in a large population database (gnomAD), indicating this variant is rare. Variants that disrupt the consensus splice acceptor site in ATP1A2 are expected to be pathogenic. This variant disrupts the canonical splice acceptor site of the penultimate exon, yet other early termination changes in this exon and downstream have been reported as causative in the heterozygous state (Pelzer et al. 2018. PubMed ID: 29343472; Human Gene Mutation Database). This variant is interpreted as likely pathogenic for autosomal dominant and recessive ATP1A2-related disorders.